The following is an entry in ClinVar:

NM_000334.4(SCN4A):c.5115C>A (p.Phe1705Leu)

Genes: GH-LCR (growth hormone locus control region; plus strand), SCN4A (sodium voltage-gated channel alpha subunit 4; minus strand). Cytogenetic location: 17q23.3.
Variant type: single nucleotide variant.
Coding change: c.5115C>A on transcript NM_000334.4 (MANE Select); coding-DNA position 5115, C replaced by A.
Protein change: p.Phe1705Leu; replaces phenylalanine 1705 with leucine.
Molecular consequence: missense variant.
Genome position (GRCh38, 1-based): chr17:63,941,167, G>T on the plus strand (C>A on the coding strand, the complement: SCN4A is on the minus strand). VCF-style: chr17-63941167-G-T. GRCh37 (hg19) VCF-style: chr17-62018527-G-T.
Other names: short protein forms F1705L.
Identifiers: ClinVar variation 941521 (VCV000941521.1), dbSNP rs1908515104, ClinGen allele CA400613990.

ClinVar aggregate classification (germline): Uncertain significance (1 of 4 stars; one submission).

Conditions:
Hyperkalemic periodic paralysis. Also called: Familial hyperkalemic periodic paralysis; Gamstorp disease. Identifiers: Orphanet 682, MedGen C0238357, MONDO:0008224, OMIM 170500, HP:0007215.

Submission:

Labcorp Genetics (formerly Invitae), Labcorp
Classification: Uncertain significance for Hyperkalemic Periodic Paralysis Type 1. Last evaluated: 2019-07-18. Review status: criteria provided, single submitter. Criteria: Invitae Variant Classification Sherloc (09022015). Collection method: clinical testing. Allele origin: germline.
Comment: This sequence change replaces phenylalanine with leucine at codon 1705 of the SCN4A protein (p.Phe1705Leu). The phenylalanine residue is highly conserved and there is a small physicochemical difference between phenylalanine and leucine. This variant is not present in population databases (ExAC no frequency). This variant has not been reported in the literature in individuals with SCN4A-related conditions. Algorithms developed to predict the effect of missense changes on protein structure and function are either unavailable or do not agree on the potential impact of this missense change (SIFT: "Deleterious"; PolyPhen-2: "Possibly Damaging"; Align-GVGD: "Class C15"). In summary, the available evidence is currently insufficient to determine the role of this variant in disease. Therefore, it has been classified as a Variant of Uncertain Significance.